The following is an entry in ClinVar:

ClinVar aggregate classification (germline): Uncertain significance. Review status: criteria provided, multiple submitters, no conflicts (2 of 4 stars). 2 submissions from 2 submitters: Uncertain significance (2). Last evaluated 2025-12-18.

Conditions:
DICER1-related tumor predisposition. Also called: DICER1 syndrome; DICER1-related pleuropulmonary blastoma cancer predisposition syndrome. Identifiers: Orphanet 284343, MedGen C3839822, MONDO:0100216.
Hereditary cancer-predisposing syndrome. Also called: Hereditary Cancer Syndrome; Tumor predisposition; Neoplastic Syndromes, Hereditary; Hereditary neoplastic syndrome. Identifiers: Orphanet 140162, MedGen C0027672, MeSH D009386, MONDO:0015356.

Allele frequency attached by ClinVar (database versions not stated): gnomAD exomes below 0.00001; gnomAD 0.00001.
gnomAD v4.1: 3 of 1,614,036 alleles (0.00019%); highest among the groups gnomAD compares: Non-Finnish European, 0.00025%; no homozygotes.

Submissions (2):

Ambry Genetics
Classification: Uncertain significance for Hereditary cancer-predisposing syndrome. Last evaluated: 2025-12-18. Review status: criteria provided, single submitter. Criteria: Ambry Variant Classification Scheme 2023. Collection method: clinical testing. Allele origin: germline.
Comment: The p.A1137T variant (also known as c.3409G>A), located in coding exon 20 of the DICER1 gene, results from a G to A substitution at nucleotide position 3409. The alanine at codon 1137 is replaced by threonine, an amino acid with similar properties. This amino acid position is well conserved in available vertebrate species. In addition, this alteration is predicted to be tolerated by in silico analysis. Based on the available evidence, the clinical significance of this variant remains unclear.

Labcorp Genetics (formerly Invitae), Labcorp
Classification: Uncertain significance for DICER1-related tumor predisposition. Last evaluated: 2025-04-23. Review status: criteria provided, single submitter. Criteria: Invitae Variant Classification Sherloc (09022015). Collection method: clinical testing. Allele origin: germline.
Comment: This sequence change replaces alanine, which is neutral and non-polar, with threonine, which is neutral and polar, at codon 1137 of the DICER1 protein (p.Ala1137Thr). This variant is not present in population databases (gnomAD no frequency). This variant has not been reported in the literature in individuals affected with DICER1-related conditions. ClinVar contains an entry for this variant (Variation ID: 839364). Invitae Evidence Modeling of protein sequence and biophysical properties (such as structural, functional, and spatial information, amino acid conservation, physicochemical variation, residue mobility, and thermodynamic stability) indicates that this missense variant is not expected to disrupt DICER1 protein function with a negative predictive value of 95%. In summary, the available evidence is currently insufficient to determine the role of this variant in disease. Therefore, it has been classified as a Variant of Uncertain Significance.

NM_177438.3(DICER1):c.3409G>A (p.Ala1137Thr)

Gene: DICER1 (dicer 1, ribonuclease III; minus strand). Cytogenetic location: 14q32.13.
Variant type: single nucleotide variant.
Coding change: c.3409G>A on transcript NM_177438.3 (MANE Select); coding-DNA position 3409, G replaced by A.
Protein change: p.Ala1137Thr; replaces alanine 1137 with threonine.
Molecular consequence: missense variant.
Genome position (GRCh38, 1-based): chr14:95,103,987, C>T on the plus strand (G>A on the coding strand, the complement: DICER1 is on the minus strand). VCF-style: chr14-95103987-C-T. GRCh37 (hg19) VCF-style: chr14-95570324-C-T.
Other names: c.3409G>A, p.Ala1137Thr (NM_001195573.1, NM_001271282.3, NM_001291628.2 and 1 more transcripts); short protein forms A1137T.
Identifiers: ClinVar variation 839364 (VCV000839364.14), dbSNP rs1891172275, ClinGen allele CA390875557.